The following is an entry in ClinVar:

NM_005535.3(IL12RB1):c.1791+3A>T

Gene: IL12RB1 (interleukin 12 receptor subunit beta 1; minus strand). Cytogenetic location: 19p13.11.
Variant type: single nucleotide variant.
Coding change: c.1791+3A>T on transcript NM_005535.3 (MANE Select); 3 bases into the intron after coding-DNA position 1791, A replaced by T.
Molecular consequence: intron variant.
Genome position (GRCh38, 1-based): chr19:18,061,119, T>A on the plus strand (A>T on the coding strand, the complement: IL12RB1 is on the minus strand). VCF-style: chr19-18061119-T-A. GRCh37 (hg19) VCF-style: chr19-18171929-T-A.
Other names: c.1911+3A>T (NM_001290024.2); c.1791+3A>T (NM_001290023.2); c.1812+3A>T (NM_001440425.1, NM_001440424.1).
Identifiers: ClinVar variation 852766 (VCV000852766.7), dbSNP rs1405668365, ClinGen allele CA783893596.
Genomic context (GRCh38, chr19:18,061,119, plus strand): 5'-CGTAACCCTTGTCCAGCATGTGCACCCAATAAAAAGACTTGGAATTAGAAAAGGCATCCT[T>A]ACCTCCTTCCCTCCAGGGAACTCAATGGCGGAGCTGGCACAGGGTGTGGGCAGCGGCGGG-3'

ClinVar aggregate classification (germline): Uncertain significance (1 of 4 stars; one submission).

Conditions:
Mendelian susceptibility to mycobacterial diseases due to complete IL12RB1 deficiency. Also called: IL12RB1 DEFICIENCY; Immunodeficiency 30. Identifiers: Orphanet 319552, MedGen C4013949, MONDO:0013955, OMIM 614891.

Allele frequency attached by ClinVar (database versions not stated): TOPMed below 0.00001; gnomAD 0.00001.

Submission:

Labcorp Genetics (formerly Invitae), Labcorp
Classification: Uncertain significance for Mendelian susceptibility to mycobacterial diseases due to complete IL12RB1 deficiency. Last evaluated: 2025-03-05. Review status: criteria provided, single submitter. Criteria: Invitae Variant Classification Sherloc (09022015). Collection method: clinical testing. Allele origin: germline.
Comment: This sequence change falls in intron 15 of the IL12RB1 gene. It does not directly change the encoded amino acid sequence of the IL12RB1 protein. It affects a nucleotide within the consensus splice site. This variant is not present in population databases (gnomAD no frequency). This variant has not been reported in the literature in individuals affected with IL12RB1-related conditions. ClinVar contains an entry for this variant (Variation ID: 852766). Variants that disrupt the consensus splice site are a relatively common cause of aberrant splicing (PMID: 17576681, 9536098). Algorithms developed to predict the effect of sequence changes on RNA splicing suggest that this variant may disrupt the consensus splice site. In summary, the available evidence is currently insufficient to determine the role of this variant in disease. Therefore, it has been classified as a Variant of Uncertain Significance.

Literature cited by the submitters: PubMed 17576681; PubMed 9536098.